The following is an entry in ClinVar:

NM_004183.4(BEST1):c.1143C>G (p.Asp381Glu)

Gene: BEST1 (bestrophin 1; plus strand). Cytogenetic location: 11q12.3.
Variant type: single nucleotide variant.
Coding change: c.1143C>G on transcript NM_004183.4 (MANE Select); coding-DNA position 1143, C replaced by G.
Protein change: p.Asp381Glu; replaces aspartic acid 381 with glutamic acid.
Molecular consequence: missense variant. On other transcripts: non-coding transcript variant (1).
Genome position (GRCh38, 1-based): chr11:61,962,297, C>G. VCF-style: chr11-61962297-C-G. GRCh37 (hg19) VCF-style: chr11-61729769-C-G.
Other names: c.963C>G, p.Asp321Glu (NM_001139443.3, NM_001300787.2); c.882C>G, p.Asp294Glu (NM_001300786.2); c.825C>G, p.Asp275Glu (NM_001363591.3); c.*38C>G (NM_001363592.2); c.171C>G, p.Asp57Glu (NM_001363593.3); short protein forms D275E, D381E, D57E, D294E, D321E.
Identifiers: ClinVar variation 2149815 (VCV002149815.5), dbSNP rs112199774, ClinGen allele CA380847278.

ClinVar aggregate classification (germline): Uncertain significance. Review status: criteria provided, multiple submitters, no conflicts (2 of 4 stars). 2 submissions from 2 submitters: Uncertain significance (2). Last evaluated 2025-06-17.

gnomAD v4.1: 6 of 1,614,040 alleles (0.00037%); highest among the groups gnomAD compares: Non-Finnish European, 0.00034%; no homozygotes.

Submissions (2):

Labcorp Genetics (formerly Invitae), Labcorp
Classification: Uncertain significance. Last evaluated: 2025-06-17. Review status: criteria provided, single submitter. Criteria: Invitae Variant Classification Sherloc (09022015). Collection method: clinical testing. Allele origin: germline.
Comment: This sequence change replaces aspartic acid, which is acidic and polar, with glutamic acid, which is acidic and polar, at codon 381 of the BEST1 protein (p.Asp381Glu). This variant is not present in population databases (gnomAD no frequency). This variant has not been reported in the literature in individuals affected with BEST1-related conditions. ClinVar contains an entry for this variant (Variation ID: 2149815). An algorithm developed to predict the effect of missense changes on protein structure and function outputs the following: PolyPhen-2: "Benign". The glutamic acid amino acid residue is found in multiple mammalian species, which suggests that this missense change does not adversely affect protein function. In summary, the available evidence is currently insufficient to determine the role of this variant in disease. Therefore, it has been classified as a Variant of Uncertain Significance.

Blueprint Genetics
Classification: Uncertain significance. Last evaluated: 2024-09-20. Review status: criteria provided, single submitter. Criteria: ACMG Guidelines, 2015. Collection method: clinical testing. Allele origin: germline.